The following is an entry in ClinVar:

NM_005908.4(MANBA):c.2013dup (p.Glu672Ter)

Gene: MANBA (mannosidase beta; minus strand). Cytogenetic location: 4q24.
Variant type: Duplication.
Coding change: c.2013dup on transcript NM_005908.4 (MANE Select); coding-DNA position 2013, one base duplicated (T; older notation c.2013dupT).
Protein change: p.Glu672Ter; replaces glutamic acid 672 with a stop codon.
Molecular consequence: nonsense.
Genome position (GRCh38, 1-based): chr4:102,639,714, A duplicated on the plus strand (T on the coding strand, the reverse complement: MANBA is on the minus strand); the first of 2 consecutive A bases (chr4:102,639,714-102,639,715); duplicating either gives the same sequence. VCF-style (leftmost placement, unchanged base first): chr4-102639713-C-CA. GRCh37 (hg19) VCF-style: chr4-103560870-C-CA.
Other names: short protein forms E672*.
Identifiers: ClinVar variation 3235164 (VCV003235164.1), dbSNP rs2476735985.

ClinVar aggregate classification (germline): Likely pathogenic (1 of 4 stars; one submission).

Conditions:
Beta-D-mannosidosis (MANSB). Also called: MANNOSIDOSIS, BETA A, LYSOSOMAL; BETA-MANNOSIDASE DEFICIENCY; LYSOSOMAL BETA-MANNOSIDASE DEFICIENCY; Beta-Mannosidosis. Identifiers: Orphanet 118, MedGen C4048196, MONDO:0009562, OMIM 248510.

Submission:

MVZ Medizinische Genetik Mainz
Classification: Likely pathogenic for Beta-D-mannosidosis. Last evaluated: 2022-09-27. Review status: criteria provided, single submitter. Criteria: UK Practice Guidelines For Variant Classification V4 01 2020. Collection method: clinical testing. Allele origin: germline. Inheritance: Autosomal recessive inheritance. Affected: yes. Observed: 1 variant allele.
Comment: ACMG Criteria: PVS1_STR, PM2_SUP, PM3_SUP (ACMG Version 4)